The following is an entry in ClinVar:

NM_182961.4(SYNE1):c.4461+15C>T

Gene: SYNE1 (spectrin repeat containing nuclear envelope protein 1; minus strand). Cytogenetic location: 6q25.2.
Variant type: single nucleotide variant.
Coding change: c.4461+15C>T on transcript NM_182961.4 (MANE Select); 15 bases into the intron after coding-DNA position 4461, C replaced by T.
Molecular consequence: intron variant.
Genome position (GRCh38, 1-based): chr6:152,433,780, G>A on the plus strand (C>T on the coding strand, the complement: SYNE1 is on the minus strand). VCF-style: chr6-152433780-G-A. GRCh37 (hg19) VCF-style: chr6-152754915-G-A.
Other names: c.4482+15C>T (NM_033071.5).
Identifiers: ClinVar variation 905188 (VCV000905188.9), dbSNP rs757969745, ClinGen allele CA4058559.

ClinVar aggregate classification (germline): Conflicting classifications of pathogenicity. Review status: criteria provided, conflicting classifications (1 of 4 stars). 4 submissions from 3 submitters: Uncertain significance (1); Benign (1); Likely benign (2). Last evaluated 2025-06-22.

Conditions:
Emery-Dreifuss muscular dystrophy 4, autosomal dominant (EDMD4). Also called: EMERY-DREIFUSS MUSCULAR DYSTROPHY 4 WITH VARIABLE FEATURES. Identifiers: Orphanet 261, MedGen C2751807, MONDO:0013071, OMIM 612998.
Autosomal recessive ataxia, Beauce type. Also called: Spinocerebellar ataxia, autosomal recessive 8; SYNE1-Related Autosomal Recessive Cerebellar Ataxia; SYNE1 Deficiency; ATAXIA, RECESSIVE, OF BEAUCE. Identifiers: Orphanet 88644, MedGen C1853116, MONDO:0012549, OMIM 610743.

Allele frequency attached by ClinVar (database versions not stated): gnomAD exomes 0.00011 and 0.00012; gnomAD 0.00013 and 0.00049; ExAC 0.00020; TOPMed 0.00048.
gnomAD v4.1: 232 of 1,613,442 alleles (0.014%); highest among the groups gnomAD compares: Non-Finnish European, 0.013%; 2 homozygotes.

Submissions (4):

Labcorp Genetics (formerly Invitae), Labcorp
Classification: Likely benign for Emery-Dreifuss muscular dystrophy 4, autosomal dominant; Autosomal recessive ataxia, Beauce type. Last evaluated: 2025-06-22. Review status: criteria provided, single submitter. Criteria: Invitae Variant Classification Sherloc (09022015). Collection method: clinical testing. Allele origin: germline.

Blueprint Genetics
Classification: Likely benign. Last evaluated: 2024-08-23. Review status: criteria provided, single submitter. Criteria: ACMG Guidelines, 2015. Collection method: clinical testing. Allele origin: germline.

Illumina Laboratory Services, Illumina
Classification: Benign for Emery-Dreifuss muscular dystrophy 4, autosomal dominant. Last evaluated: 2018-01-12. Review status: criteria provided, single submitter. Criteria: ICSL Variant Classification Criteria 13 December 2019. Collection method: clinical testing. Allele origin: germline.
Comment: This variant was observed in the ICSL laboratory as part of a predisposition screen in an ostensibly healthy population. It had not been previously curated by ICSL or reported in the Human Gene Mutation Database (HGMD: prior to June 1st, 2018), and was therefore a candidate for classification through an automated scoring system. Utilizing variant allele frequency, disease prevalence and penetrance estimates, and inheritance mode, an automated score was calculated to assess if this variant is too frequent to cause the disease. Based on the score and internal cut-off values, a variant classified as benign is not then subjected to further curation. The score for this variant resulted in a classification of benign for this disease.

Illumina Laboratory Services, Illumina
Classification: Uncertain significance for Autosomal recessive ataxia, Beauce type. Last evaluated: 2018-01-12. Review status: criteria provided, single submitter. Criteria: ICSL Variant Classification Criteria 13 December 2019. Collection method: clinical testing. Allele origin: germline.